The following is an entry in ClinVar:

NM_152424.4(AMER1):c.1570T>C (p.Cys524Arg)

Gene: AMER1 (APC membrane recruitment protein 1; minus strand). Cytogenetic location: Xq11.2.
Variant type: single nucleotide variant.
Coding change: c.1570T>C on transcript NM_152424.4 (MANE Select); coding-DNA position 1570, T replaced by C.
Protein change: p.Cys524Arg; replaces cysteine 524 with arginine.
Molecular consequence: missense variant.
Genome position (GRCh38, 1-based): chrX:64,191,717, A>G on the plus strand (T>C on the coding strand, the complement: AMER1 is on the minus strand). VCF-style: chrX-64191717-A-G. GRCh37 (hg19) VCF-style: chrX-63411597-A-G.
Other names: short protein forms C524R.
Identifiers: ClinVar variation 2826545 (VCV002826545.3), dbSNP rs758465866, ClinGen allele CA10432319.

ClinVar aggregate classification (germline): Uncertain significance (1 of 4 stars; one submission).

Allele frequency attached by ClinVar (database versions not stated): ExAC 0.00001.

Submission:

Labcorp Genetics (formerly Invitae), Labcorp
Classification: Uncertain significance. Last evaluated: 2023-02-27. Review status: criteria provided, single submitter. Criteria: Invitae Variant Classification Sherloc (09022015). Collection method: clinical testing. Allele origin: germline.
Comment: An algorithm developed to predict the effect of missense changes on protein structure and function (PolyPhen-2) suggests that this variant is likely to be disruptive. In summary, the available evidence is currently insufficient to determine the role of this variant in disease. Therefore, it has been classified as a Variant of Uncertain Significance. This variant has not been reported in the literature in individuals affected with AMER1-related conditions. The frequency data for this variant in the population databases is considered unreliable, as metrics indicate poor data quality at this position in the gnomAD database. This sequence change replaces cysteine, which is neutral and slightly polar, with arginine, which is basic and polar, at codon 524 of the AMER1 protein (p.Cys524Arg).